The following is an entry in ClinVar:

NM_014370.4(SRPK3):c.711G>A (p.Trp237Ter)

Gene: SRPK3 (SRSF protein kinase 3; plus strand). Cytogenetic location: Xq28.
Variant type: single nucleotide variant.
Coding change: c.711G>A on transcript NM_014370.4 (MANE Select); coding-DNA position 711, G replaced by A.
Protein change: p.Trp237Ter; replaces tryptophan 237 with a stop codon.
Molecular consequence: nonsense.
Genome position (GRCh38, 1-based): chrX:153,783,081, G>A. VCF-style: chrX-153783081-G-A. GRCh37 (hg19) VCF-style: chrX-153048536-G-A.
Other names: c.711G>A, p.Trp237Ter (NM_001170760.2, NM_001170761.2); short protein forms W237*.
Identifiers: ClinVar variation 4885506 (VCV004885506.2).

ClinVar aggregate classification (germline): Uncertain significance (1 of 4 stars; one submission).

Submission:

Dasa
Classification: Uncertain significance. Last evaluated: 2026-02-05. Review status: criteria provided, single submitter. Criteria: DASA Assertion Criteria. Collection method: clinical testing. Allele origin: germline.
Comment: NM_014370.4(SRPK3):c.711G>A (p.Trp237*) is a nonsense variant in SRPK3 predicted to introduce a premature termination codon and is predicted to result in an absent or altered protein product. This variant is rare in population databases. The currently available literature and clinical evidence are not sufficient to establish a definitive association between this variant and the reported condition. Therefore, this variant is classified as a variant of uncertain significance.